The following is an entry in ClinVar:

NM_000748.3(CHRNB2):c.1375G>T (p.Asp459Tyr)

Gene: CHRNB2 (cholinergic receptor nicotinic beta 2 subunit; plus strand). Cytogenetic location: 1q21.3.
Variant type: single nucleotide variant.
Coding change: c.1375G>T on transcript NM_000748.3 (MANE Select); coding-DNA position 1375, G replaced by T.
Protein change: p.Asp459Tyr; replaces aspartic acid 459 with tyrosine.
Molecular consequence: missense variant.
Genome position (GRCh38, 1-based): chr1:154,575,798, G>T. VCF-style: chr1-154575798-G-T. GRCh37 (hg19) VCF-style: chr1-154548274-G-T.
Other names: short protein forms D459Y.
Identifiers: ClinVar variation 451724 (VCV000451724.2), dbSNP rs140505576, ClinGen allele CA342632772.

ClinVar aggregate classification (germline): Uncertain significance (1 of 4 stars; one submission).

Submission:

GeneDx
Classification: Uncertain significance. Last evaluated: 2017-09-13. Review status: criteria provided, single submitter. Criteria: GeneDx Variant Classification (06012015). Collection method: clinical testing. Allele origin: germline. Affected: yes.
Comment: The D459Y variant in the CHRNB2 gene has not been reported previously as a pathogenic variant, nor as a benign variant, to our knowledge. This variant is not observed in large population cohorts (Lek et al., 2016; 1000 Genomes Consortium et al., 2015; Exome Variant Server). The D459Y variant is a non-conservative amino acid substitution, which is likely to impact secondary protein structure as these residues differ in polarity, charge, size and/or other properties. In addition, this substitution occurs at a position within the helical transmembrane domain that is conserved across species, and in silico analysis predicts this variant is probably damaging to the protein structure/function. We interpret D459Y as a variant of uncertain significance.